The following is an entry in ClinVar:

ClinVar aggregate classification (germline): Uncertain significance (1 of 4 stars; one submission).

Conditions:
Tuberous sclerosis 2 (TSC2). Identifiers: Orphanet 805, MedGen C1860707, MONDO:0013199, OMIM 613254.

Submission:

Labcorp Genetics (formerly Invitae), Labcorp
Classification: Uncertain significance for Tuberous sclerosis 2. Last evaluated: 2023-01-16. Review status: criteria provided, single submitter. Criteria: Invitae Variant Classification Sherloc (09022015). Collection method: clinical testing. Allele origin: germline.
Comment: In summary, the available evidence is currently insufficient to determine the role of this variant in disease. Therefore, it has been classified as a Variant of Uncertain Significance. Advanced modeling of protein sequence and biophysical properties (such as structural, functional, and spatial information, amino acid conservation, physicochemical variation, residue mobility, and thermodynamic stability) has been performed at Invitae for this missense variant, however the output from this modeling did not meet the statistical confidence thresholds required to predict the impact of this variant on TSC2 protein function. This variant has not been reported in the literature in individuals affected with TSC2-related conditions. This variant is not present in population databases (gnomAD no frequency). This sequence change replaces serine, which is neutral and polar, with threonine, which is neutral and polar, at codon 1207 of the TSC2 protein (p.Ser1207Thr).

NM_000548.5(TSC2):c.3620G>C (p.Ser1207Thr)

Gene: TSC2 (TSC complex subunit 2; plus strand). Cytogenetic location: 16p13.3.
Variant type: single nucleotide variant.
Coding change: c.3620G>C on transcript NM_000548.5 (MANE Select); coding-DNA position 3620, G replaced by C.
Protein change: p.Ser1207Thr; replaces serine 1207 with threonine.
Molecular consequence: missense variant. On other transcripts: non-coding transcript variant (5).
Genome position (GRCh38, 1-based): chr16:2,081,604, G>C. VCF-style: chr16-2081604-G-C. GRCh37 (hg19) VCF-style: chr16-2131605-G-C.
Other names: c.3521G>C, p.Ser1174Thr (NM_001318832.2); c.3491G>C, p.Ser1164Thr (NM_001363528.2, NM_001370405.1, NM_021055.3); c.3488G>C, p.Ser1163Thr (NM_001370404.1, NM_001077183.3, NM_001406665.1); c.3617G>C, p.Ser1206Thr (NM_001406663.1, NM_001406664.1); c.3581G>C, p.Ser1194Thr (NM_001406667.1); c.3620G>C, p.Ser1207Thr (NM_001114382.3); c.3380G>C, p.Ser1127Thr (NM_001318827.2); c.3344G>C, p.Ser1115Thr (NM_001318829.2); and 18 more; short protein forms S1126T, S1007T, S1115T, S1144T, S1158T, S1163T, S1164T, S1194T.
Identifiers: ClinVar variation 2828988 (VCV002828988.3), dbSNP rs397515313, ClinGen allele CA394291479.